The following is an entry in ClinVar:

NM_001148.6(ANK2):c.5367C>G (p.Ile1789Met)

Genes: ANK2 (ankyrin 2; plus strand), LOC126807136 (MED14-independent group 3 enhancer GRCh37_chr4:114274931-114276130; plus strand). Cytogenetic location: 4q26.
Variant type: single nucleotide variant.
Coding change: c.5367C>G on transcript NM_001148.6 (MANE Select); coding-DNA position 5367, C replaced by G.
Protein change: p.Ile1789Met; replaces isoleucine 1789 with methionine.
Molecular consequence: missense variant. On other transcripts: intron variant (68).
Genome position (GRCh38, 1-based): chr4:113,353,985, C>G. VCF-style: chr4-113353985-C-G. GRCh37 (hg19) VCF-style: chr4-114275141-C-G.
Other names: c.5133C>G, p.Ile1711Met (NM_001386142.1); c.1767C>G, p.Ile589Met (NM_001386166.1); c.5508C>G, p.Ile1836Met (NM_001386174.1); c.5484C>G, p.Ile1828Met (NM_001386175.1); c.4411+3736C>G (NM_001386186.2, NM_001386148.2); c.4213+3736C>G (NM_001354269.3); c.4291+3736C>G (NM_001386187.2); c.4252+3736C>G (NM_001386147.1); and 35 more; short protein forms I1828M, I1711M, I1789M, I1836M, I589M.
Identifiers: ClinVar variation 3539710 (VCV003539710.1).

ClinVar aggregate classification (germline): Uncertain significance (1 of 4 stars; one submission).

Conditions:
Cardiovascular phenotype. Identifiers: MedGen CN230736.

Submission:

Ambry Genetics
Classification: Uncertain significance for Cardiovascular phenotype. Last evaluated: 2024-09-17. Review status: criteria provided, single submitter. Criteria: Ambry Variant Classification Scheme 2023. Collection method: clinical testing. Allele origin: germline.
Comment: The p.I1789M variant (also known as c.5367C>G), located in coding exon 38 of the ANK2 gene, results from a C to G substitution at nucleotide position 5367. The isoleucine at codon 1789 is replaced by methionine, an amino acid with highly similar properties. This amino acid position is conserved. In addition, this alteration is predicted to be tolerated by in silico analysis. Based on the available evidence, the clinical significance of this variant remains unclear.